The following is an entry in ClinVar:

NM_001080449.3(DNA2):c.2322C>T (p.Gly774=)

Gene: DNA2 (DNA replication helicase/nuclease 2; minus strand). Cytogenetic location: 10q21.3.
Variant type: single nucleotide variant.
Coding change: c.2322C>T on transcript NM_001080449.3 (MANE Select); coding-DNA position 2322, C replaced by T.
Protein change: p.Gly774=; no amino-acid change (glycine 774 retained).
Molecular consequence: synonymous variant. On other transcripts: non-coding transcript variant (1).
Genome position (GRCh38, 1-based): chr10:68,422,777, G>A on the plus strand (C>T on the coding strand, the complement: DNA2 is on the minus strand). VCF-style: chr10-68422777-G-A. GRCh37 (hg19) VCF-style: chr10-70182534-G-A.
Identifiers: ClinVar variation 2849196 (VCV002849196.22), dbSNP rs2051683219, ClinGen allele CA469827329.
Genomic context (GRCh38, chr10:68,422,777, plus strand): 5'-CAGGGGAGGAAGCTGCTGATGGTCCCCCACTAACACAAATCTCCGTGAAAAAAAAAGGGG[G>A]CCCAGACAAATTGGTTGGCTAATTTGAGAGGCTTCATCCACAATACAAAAATCAAAAATT-3'
Protein context (NP_001073918.2, residues 764-784): ASQISQPICL[Gly774=]PLFFSRRFVL

ClinVar aggregate classification (germline): Likely benign. Review status: criteria provided, multiple submitters, no conflicts (2 of 4 stars). 2 submissions from 2 submitters: Likely benign (2). Last evaluated 2024-05-01.

Submissions (2):

CeGaT Center for Human Genetics Tuebingen
Classification: Likely benign. Last evaluated: 2024-05-01. Review status: criteria provided, single submitter. Criteria: CeGaT Center For Human Genetics Tuebingen Variant Classification Criteria Version 2. Collection method: clinical testing. Allele origin: germline. Affected: yes. Observed: 1 variant allele.
Comment: DNA2: PM2:Supporting, BP4, BP7

Labcorp Genetics (formerly Invitae), Labcorp
Classification: Likely benign. Last evaluated: 2023-04-01. Review status: criteria provided, single submitter. Criteria: Invitae Variant Classification Sherloc (09022015). Collection method: clinical testing. Allele origin: germline.